The following is an entry in ClinVar:

ClinVar aggregate classification (germline): Uncertain significance (1 of 4 stars; one submission).

Submission:

Labcorp Genetics (formerly Invitae), Labcorp
Classification: Uncertain significance. Last evaluated: 2022-03-14. Review status: criteria provided, single submitter. Criteria: Invitae Variant Classification Sherloc (09022015). Collection method: clinical testing. Allele origin: germline.
Comment: In summary, the available evidence is currently insufficient to determine the role of this variant in disease. Therefore, it has been classified as a Variant of Uncertain Significance. Algorithms developed to predict the effect of missense changes on protein structure and function output the following: SIFT: "Tolerated"; PolyPhen-2: "Benign"; Align-GVGD: "Class C0". The leucine amino acid residue is found in multiple mammalian species, which suggests that this missense change does not adversely affect protein function. This variant has not been reported in the literature in individuals affected with GGCX-related conditions. This variant is not present in population databases (gnomAD no frequency). This sequence change replaces arginine, which is basic and polar, with leucine, which is neutral and non-polar, at codon 9 of the GGCX protein (p.Arg9Leu).

NM_000821.7(GGCX):c.26G>T (p.Arg9Leu)

Gene: GGCX (gamma-glutamyl carboxylase; minus strand). Cytogenetic location: 2p11.2.
Variant type: single nucleotide variant.
Coding change: c.26G>T on transcript NM_000821.7 (MANE Select); coding-DNA position 26, G replaced by T.
Protein change: p.Arg9Leu; replaces arginine 9 with leucine.
Molecular consequence: missense variant.
Genome position (GRCh38, 1-based): chr2:85,561,403, C>A on the plus strand (G>T on the coding strand, the complement: GGCX is on the minus strand). VCF-style: chr2-85561403-C-A. GRCh37 (hg19) VCF-style: chr2-85788526-C-A.
Other names: c.26G>T, p.Arg9Leu (NM_001142269.4, NM_001311312.3); short protein forms R9L.
Identifiers: ClinVar variation 2111768 (VCV002111768.4), dbSNP rs745564526, ClinGen allele CA347493775.